The following is an entry in ClinVar:

ClinVar aggregate classification (germline): Pathogenic. Review status: criteria provided, multiple submitters, no conflicts (2 of 4 stars). 7 submissions from 7 submitters: Pathogenic (6). 1 of the submissions does not count toward it. Last evaluated 2025-07-01.

Conditions:
COL1A1-related disorder. Also called: COL1A1-related condition; COL1A1- related disease.
Osteogenesis imperfecta type I (OI1). Also called: Lobstein disease; Lobstein's Disease; OI, TYPE I; OSTEOGENESIS IMPERFECTA TARDA; OSTEOGENESIS IMPERFECTA WITH BLUE SCLERAE; Osteogenesis imperfecta type 1. Identifiers: Orphanet 216796, Orphanet 666, MedGen C0023931, MONDO:0008146, OMIM 166200. Disease mechanism: loss of function.
Osteogenesis imperfecta, perinatal lethal (OI2). Also called: OI, TYPE II; OSTEOGENESIS IMPERFECTA, TYPE II; OSTEOGENESIS IMPERFECTA CONGENITA; VROLIK TYPE OF OSTEOGENESIS IMPERFECTA; Osteogenesis imperfecta, dominant perinatal lethal; Osteogenesis imperfecta type 2. Identifiers: Orphanet 216804, MedGen C0268358, MONDO:0008147, OMIM 166210.

Submissions (7):

PreventionGenetics, part of Exact Sciences
Classification: Pathogenic for COL1A1-related condition. Last evaluated: 2025-07-01. Review status: criteria provided, single submitter. Criteria: ACMG Guidelines, 2015. Collection method: clinical testing. Allele origin: germline.
Comment: The COL1A1 c.2533G>A variant is predicted to result in the amino acid substitution p.Gly845Arg. This variant has been reported to be causative for osteogenesis imperfecta (see example: Bodian et al. 2009. PubMed ID: 18996919; Table S1, Bardai et al. 2016. PubMed ID: 27509835; Caparros-Martin et al. 2017. PubMed ID: 28116328; reported as de novo, Normand et al. 2018. PubMed ID: 30266093). This variant has not been reported in a large population database (gnomAD), indicating this variant is rare. An alternate substitution of this amino acid (p.Gly845Ala) has been reproted in one individual with osteogenesis imperfecta (MacCarrick et al. 2024. PubMed ID: 38702915). This variant is located in the conserved Gly-Xaa-Yaa triple helical domain where substitutions of a glycine are usually pathogenic (Marini et al. 2007. PubMed ID: 17078022). This variant is interpreted as pathogenic.

Labcorp Genetics (formerly Invitae), Labcorp
Classification: Pathogenic for Osteogenesis imperfecta type I. Last evaluated: 2024-05-21. Review status: criteria provided, single submitter. Criteria: Invitae Variant Classification Sherloc (09022015). Collection method: clinical testing. Allele origin: germline.
Comment: This sequence change replaces glycine, which is neutral and non-polar, with arginine, which is basic and polar, at codon 845 of the COL1A1 protein (p.Gly845Arg). This variant is not present in population databases (gnomAD no frequency). This missense change has been observed in individuals with osteogenesis imperfecta (PMID: 3403550, 18996919, 27509835). ClinVar contains an entry for this variant (Variation ID: 17291). Advanced modeling of protein sequence and biophysical properties (such as structural, functional, and spatial information, amino acid conservation, physicochemical variation, residue mobility, and thermodynamic stability) performed at Invitae indicates that this missense variant is expected to disrupt COL1A1 protein function with a positive predictive value of 95%. This variant disrupts the triple helix domain of COL1A1. Glycine residues within the Gly-Xaa-Yaa repeats of the triple helix domain are required for the structure and stability of fibrillar collagens (PMID: 7695699, 8218237, 19344236). In COL1A1, variants affecting these glycine residues are significantly enriched in individuals with disease (PMID: 9016532, 17078022) compared to the general population (ExAC). For these reasons, this variant has been classified as Pathogenic.

GeneDx
Classification: Pathogenic. Last evaluated: 2022-01-13. Review status: criteria provided, single submitter. Criteria: GeneDx Variant Classification Process June 2021. Collection method: clinical testing. Allele origin: germline. Affected: yes.
Comment: Occurs in the triple helical domain and replaces the glycine in the canonical Gly-X-Y repeat; missense substitution of a canonical glycine residue is expected to disrupt normal protein folding and function, and this is an established mechanism of disease (HGMD); Not observed in large population cohorts (gnomAD); In silico analysis supports that this missense variant has a deleterious effect on protein structure/function; This variant is associated with the following publications: (PMID: 27509835, 18996919, 30266093, 28116328, 29432813, 3403550, 32335875, 21239989)

Revvity Omics, Revvity
Classification: Pathogenic. Last evaluated: 2020-08-26. Review status: criteria provided, single submitter. Criteria: ACMG Guidelines, 2015. Collection method: clinical testing. Allele origin: germline.

Blueprint Genetics
Classification: Pathogenic for COL1A1-related disorders. Last evaluated: 2019-04-23. Review status: criteria provided, single submitter. Criteria: ACMG Guidelines, 2015. Collection method: clinical testing. Allele origin: germline. Affected: yes. Observed: 2 variant alleles.

Athena Diagnostics
Classification: Pathogenic. Last evaluated: 2018-11-28. Review status: criteria provided, single submitter. Criteria: Athena Diagnostics Criteria. Collection method: clinical testing. Allele origin: germline.
Comment: The variant disrupts a glycine residue in the canonical Gly-X-Y repeats of the triple helix domain, which are required for stability and structure of this protein. Therefore it is expected to severely affect the function of the protein. Found in at least one symptomatic patient, and not found in general population data.

OMIM
Classification: Pathogenic for OSTEOGENESIS IMPERFECTA, TYPE II. Last evaluated: 1997-10-03. Review status: no assertion criteria provided. Collection method: literature only. Allele origin: germline. Not counted in ClinVar's aggregate classification.

Literature cited by the submitters: PubMed 3403550 (cited by 3 submitters); PubMed 18996919 (cited by Labcorp Genetics (formerly Invitae), Labcorp and Athena Diagnostics); PubMed 27509835 (cited by Labcorp Genetics (formerly Invitae), Labcorp); PubMed 7695699 (cited by Labcorp Genetics (formerly Invitae), Labcorp); PubMed 8218237 (cited by Labcorp Genetics (formerly Invitae), Labcorp); PubMed 19344236 (cited by Labcorp Genetics (formerly Invitae), Labcorp); PubMed 9016532 (cited by Labcorp Genetics (formerly Invitae), Labcorp); PubMed 17078022 (cited by Labcorp Genetics (formerly Invitae), Labcorp and Athena Diagnostics); PubMed 26264579 (cited by Athena Diagnostics); PubMed 28116328 (cited by Athena Diagnostics); PubMed 30266093 (cited by Athena Diagnostics); PubMed 29432813 (cited by Athena Diagnostics); PubMed 9295084 (cited by OMIM).

NM_000088.4(COL1A1):c.2533G>A (p.Gly845Arg)

Gene: COL1A1 (collagen type I alpha 1 chain; minus strand). Cytogenetic location: 17q21.33.
Variant type: single nucleotide variant.
Coding change: c.2533G>A on transcript NM_000088.4 (MANE Select); coding-DNA position 2533, G replaced by A.
Protein change: p.Gly845Arg; replaces glycine 845 with arginine.
Molecular consequence: missense variant.
Genome position (GRCh38, 1-based): chr17:50,190,027, C>T on the plus strand (G>A on the coding strand, the complement: COL1A1 is on the minus strand). VCF-style: chr17-50190027-C-T. GRCh37 (hg19) VCF-style: chr17-48267388-C-T.
Other names: G667R; short protein forms G845R.
Identifiers: ClinVar variation 17291 (VCV000017291.22), dbSNP rs72653136, ClinGen allele CA257827.